The following is an entry in ClinVar:

NM_020771.4(HACE1):c.1403C>T (p.Pro468Leu)

Gene: HACE1 (HECT domain and ankyrin repeat containing E3 ubiquitin protein ligase 1; minus strand). Cytogenetic location: 6q16.3.
Variant type: single nucleotide variant.
Coding change: c.1403C>T on transcript NM_020771.4 (MANE Select); coding-DNA position 1403, C replaced by T.
Protein change: p.Pro468Leu; replaces proline 468 with leucine.
Molecular consequence: missense variant. On other transcripts: non-coding transcript variant (7).
Genome position (GRCh38, 1-based): chr6:104,784,991, G>A on the plus strand (C>T on the coding strand, the complement: HACE1 is on the minus strand). VCF-style: chr6-104784991-G-A. GRCh37 (hg19) VCF-style: chr6-105232866-G-A.
Other names: c.1271C>T, p.Pro424Leu (NM_001321080.2); c.1301C>T, p.Pro434Leu (NM_001321083.2); c.899C>T, p.Pro300Leu (NM_001321084.2, NM_001350557.2, NM_001350558.2); c.1169C>T, p.Pro390Leu (NM_001350554.2); c.1112C>T, p.Pro371Leu (NM_001350555.2); c.917C>T, p.Pro306Leu (NM_001350556.2); c.821C>T, p.Pro274Leu (NM_001350559.2); c.620C>T, p.Pro207Leu (NM_001350560.2); short protein forms P274L, P207L, P371L, P300L, P390L, P306L, P424L, P434L.
Identifiers: ClinVar variation 1409682 (VCV001409682.6), dbSNP rs146071296, ClinGen allele CA3940280.

ClinVar aggregate classification (germline): Uncertain significance. Review status: criteria provided, multiple submitters, no conflicts (2 of 4 stars). 2 submissions from 2 submitters: Uncertain significance (2). Last evaluated 2022-08-05.

Allele frequency attached by ClinVar (database versions not stated): gnomAD exomes 0.00003 and 0.00010; ExAC 0.00015; 1000 Genomes Project 30x 0.00031; 1000 Genomes Project 0.00040; gnomAD 0.00044 and 0.00048; TOPMed 0.00050; ESP Exome Variant Server 0.00054.
gnomAD v4.1: 113 of 1,607,690 alleles (0.007%); highest among the groups gnomAD compares: African/African-American, 0.14%; no homozygotes.

Submissions (2):

Labcorp Genetics (formerly Invitae), Labcorp
Classification: Uncertain significance. Last evaluated: 2022-08-05. Review status: criteria provided, single submitter. Criteria: Invitae Variant Classification Sherloc (09022015). Collection method: clinical testing. Allele origin: germline.
Comment: This sequence change replaces proline, which is neutral and non-polar, with leucine, which is neutral and non-polar, at codon 468 of the HACE1 protein (p.Pro468Leu). This variant is present in population databases (rs146071296, gnomAD 0.2%). This variant has not been reported in the literature in individuals affected with HACE1-related conditions. ClinVar contains an entry for this variant (Variation ID: 1409682). Algorithms developed to predict the effect of missense changes on protein structure and function (SIFT, PolyPhen-2, Align-GVGD) all suggest that this variant is likely to be disruptive. In summary, the available evidence is currently insufficient to determine the role of this variant in disease. Therefore, it has been classified as a Variant of Uncertain Significance.

Blueprint Genetics
Classification: Uncertain significance. Last evaluated: 2019-12-19. Review status: criteria provided, single submitter. Criteria: ACMG Guidelines, 2015. Collection method: clinical testing. Allele origin: germline.